The following is an entry in ClinVar:

NM_198994.3(TGM6):c.816C>T (p.Gly272=)

Gene: TGM6 (transglutaminase 6; plus strand). Cytogenetic location: 20p13.
Variant type: single nucleotide variant.
Coding change: c.816C>T on transcript NM_198994.3 (MANE Select); coding-DNA position 816, C replaced by T.
Protein change: p.Gly272=; no amino-acid change (glycine 272 retained).
Molecular consequence: synonymous variant.
Genome position (GRCh38, 1-based): chr20:2,399,704, C>T. VCF-style: chr20-2399704-C-T. GRCh37 (hg19) VCF-style: chr20-2380350-C-T.
Other names: c.816C>T, p.Gly272= (NM_001254734.2).
Identifiers: ClinVar variation 337912 (VCV000337912.22), dbSNP rs368599004, ClinGen allele CA9731828.

ClinVar aggregate classification (germline): Conflicting classifications of pathogenicity. Review status: criteria provided, conflicting classifications (1 of 4 stars). 3 submissions from 3 submitters: Uncertain significance (2); Likely benign (1). Last evaluated 2025-02-04.

Conditions:
TGM6-related disorder. Also called: TGM6-related condition.
Spinocerebellar ataxia type 35. Identifiers: Orphanet 276193, MedGen C3888031, MONDO:0013485, OMIM 613908.

Allele frequency attached by ClinVar (database versions not stated): ExAC 0.00001; gnomAD exomes 0.00004 and 0.00010; gnomAD 0.00006; ESP Exome Variant Server 0.00008; TOPMed 0.00008.
gnomAD v4.1: 145 of 1,614,046 alleles (0.009%); highest among the groups gnomAD compares: Admixed American, 0.013%; no homozygotes.

Submissions (3):

PreventionGenetics, part of Exact Sciences
Classification: Uncertain significance for TGM6-related condition. Last evaluated: 2025-02-04. Review status: criteria provided, single submitter. Criteria: ACMG Guidelines, 2015. Collection method: clinical testing. Allele origin: germline.
Comment: The TGM6 c.816C>T variant is not predicted to result in an amino acid change (p.=). This variant is predicted to alter splicing based on available splicing prediction programs (SpliceAI, Jaganathan et al. 2019. PubMed ID: 30661751). To our knowledge, this variant has not been reported in the literature. This variant is reported in 0.011% of alleles in individuals of Latino descent in gnomAD, which may be too common to be a primary cause of disease. Although we suspect that this variant may be benign, at this time, the clinical significance of this variant is uncertain due to the absence of conclusive functional and genetic evidence.

CeGaT Center for Human Genetics Tuebingen
Classification: Likely benign. Last evaluated: 2024-08-01. Review status: criteria provided, single submitter. Criteria: CeGaT Center For Human Genetics Tuebingen Variant Classification Criteria Version 2. Collection method: clinical testing. Allele origin: germline. Affected: yes. Observed: 1 variant allele.
Comment: TGM6: BS1

Illumina Laboratory Services, Illumina
Classification: Uncertain significance for Spinocerebellar ataxia type 35. Last evaluated: 2018-01-13. Review status: criteria provided, single submitter. Criteria: ICSL Variant Classification Criteria 13 December 2019. Collection method: clinical testing. Allele origin: germline.